The following is an entry in ClinVar:

NM_030665.4(RAI1):c.4438_4439del (p.Arg1480fs)

Gene: RAI1 (retinoic acid induced 1; plus strand). Cytogenetic location: 17p11.2.
Variant type: Deletion.
Coding change: c.4438_4439del on transcript NM_030665.4 (MANE Select); coding-DNA positions 4438 to 4439, 2 bases deleted (AG; older notation c.4438_4439delAG).
Protein change: p.Arg1480fs; shifts the reading frame from arginine 1480.
Molecular consequence: frameshift variant.
Genome position (GRCh38, 1-based): chr17:17,797,386-17,797,387, AG deleted. VCF-style (leftmost placement, unchanged base first): chr17-17797385-CAG-C. GRCh37 (hg19) VCF-style: chr17-17700699-CAG-C.
Other names: short protein forms R1480fs.
Identifiers: ClinVar variation 4823631 (VCV004823631.4).

ClinVar aggregate classification (germline): Pathogenic (1 of 4 stars; one submission).

Submission:

CeGaT Center for Human Genetics Tuebingen
Classification: Pathogenic. Last evaluated: 2026-03-01. Review status: criteria provided, single submitter. Criteria: CeGaT Center For Human Genetics Tuebingen Variant Classification Criteria Version 2. Collection method: clinical testing. Allele origin: germline. Affected: yes. Observed: 1 variant allele.
Comment: RAI1: PVS1, PM2